The following is an entry in ClinVar:

NM_000132.4(F8):c.261G>A (p.Trp87Ter)

Gene: F8 (coagulation factor VIII; minus strand). Cytogenetic location: Xq28.
Variant type: single nucleotide variant.
Coding change: c.261G>A on transcript NM_000132.4 (MANE Select); coding-DNA position 261, G replaced by A.
Protein change: p.Trp87Ter; replaces tryptophan 87 with a stop codon.
Molecular consequence: nonsense.
Genome position (GRCh38, 1-based): chrX:154,999,483, C>T on the plus strand (G>A on the coding strand, the complement: F8 is on the minus strand). VCF-style: chrX-154999483-C-T. GRCh37 (hg19) VCF-style: chrX-154227758-C-T.
Other names: short protein forms W87*.
Identifiers: ClinVar variation 4536826 (VCV004536826.1).

ClinVar aggregate classification (germline): Pathogenic (1 of 4 stars; one submission).

Conditions:
Hereditary factor VIII deficiency disease (HEMA). Also called: HEMOPHILIA, CLASSIC; AUTOSOMAL HEMOPHILIA A; Hemophilia A; Hemophilia A, congenital; HEM A; Factor 8 deficiency, congenital. Identifiers: Orphanet 98878, MedGen C0019069, MONDO:0010602, OMIM 306700.

Submission:

Women's Health and Genetics/Laboratory Corporation of America, LabCorp
Classification: Pathogenic for Hereditary factor VIII deficiency disease. Last evaluated: 2025-11-11. Review status: criteria provided, single submitter. Criteria: LabCorp Variant Classification Summary - May 2015. Collection method: clinical testing. Allele origin: germline.
Comment: Variant summary: F8 c.261G>A (p.Trp87X) results in a premature termination codon, predicted to cause a truncation of the encoded protein or absence of the protein due to nonsense mediated decay, which are commonly known mechanisms for disease. The variant was absent in 183445 control chromosomes. c.261G>A has been observed in one individual affected with Factor VIII Deficiency (Hemophilia A) (Miller_2012). To our knowledge, no experimental evidence demonstrating an impact on protein function has been reported. The following publication has been ascertained in the context of this evaluation (PMID: 22103590). No submitters have cited clinical-significance assessments for this variant to ClinVar. Based on the evidence outlined above, the variant was classified as pathogenic.

Literature cited by the submitters: PubMed 22103590.